The following is an entry in ClinVar:

NM_000518.4(HBB):c.364G>C (p.Glu122Gln)

Genes: HBB (hemoglobin subunit beta; minus strand), LOC107133510 (origin of replication at HBB; plus strand), LOC110006319 (beta-globin gene 3' regulatory region; plus strand). Cytogenetic location: 11p15.4.
Variant type: single nucleotide variant.
Coding change: c.364G>C on transcript NM_000518.4; coding-DNA position 364, G replaced by C.
Protein change: p.Glu122Gln; replaces glutamic acid 122 with glutamine.
Molecular consequence: missense variant (on NM_000518.5).
Genome position (GRCh38, 1-based): chr11:5,225,678, C>G on the plus strand (G>C on the coding strand, the complement: HBB is on the minus strand). VCF-style: chr11-5225678-C-G. GRCh37 (hg19) VCF-style: chr11-5246908-C-G.
Other names: E121Q; c.364G>C, p.Glu122Gln (NM_000518.5); short protein forms E122Q.
Identifiers: ClinVar variation 15152 (VCV000015152.134), dbSNP rs33946267, ClinGen allele CA124824.

ClinVar aggregate classification (germline): Pathogenic/Likely pathogenic. Review status: criteria provided, multiple submitters, no conflicts (2 of 4 stars). 24 submissions from 24 submitters: Pathogenic (15); Likely pathogenic (7). 2 of the submissions do not count toward it. Last evaluated 2026-03-06.

Conditions:
Hereditary persistence of fetal hemoglobin. Identifiers: MedGen C0019025, MONDO:0020989, OMIM 141749.
METHEMOGLOBINEMIA, BETA TYPE. Also called: Methemoglobinemia, beta-globin type. Identifiers: MedGen C1840779, OMIM 617971.
Malaria, susceptibility to. Identifiers: Orphanet 673, MedGen C1970028, MONDO:0021024, OMIM 611162.
Dominant beta-thalassemia. Also called: Beta-thalassemia, dominant inclusion body type. Identifiers: Orphanet 231226, Orphanet 848, MedGen C1858990, MONDO:0011381, OMIM 603902.
Beta-thalassemia HBB/LCRB. Identifiers: MedGen CN322236, MONDO:0013517, OMIM 613985.
Erythrocytosis, familial, 6. Also called: ERYTHROCYTOSIS, BETA-GLOBIN TYPE; POLYCYTHEMIA, BETA-GLOBIN TYPE. Identifiers: MedGen C4693822, MONDO:0054801, OMIM 617980.
Hb SS disease (SCD). Also called: Hemoglobin SS; Sickle cell anemia; Sickle cell disease; HbS disease; Hemoglobin S Disease; Sickling disorder due to hemoglobin S. Identifiers: Orphanet 232, Orphanet 275752, MedGen C0002895, MONDO:0011382, OMIM 603903.
Heinz body anemia. Also called: Heinz body hemolytic anemia. Identifiers: Orphanet 178330, MedGen C0700299, MONDO:0007705, OMIM 140700, HP:0005511.
Hemoglobin D disease. Identifiers: Orphanet 90039, MedGen C0272080, MONDO:0019537.
HBB-related disorder. Also called: HBB-related disorders; HBB-related condition. Identifiers: MedGen CN239378.
beta Thalassemia (BTHAL). Also called: Cooley's anemia; Erythroblastic anemia; Mediterranean anemia. Identifiers: Orphanet 848, MedGen C0005283, MONDO:0019402. Disease mechanism: loss of function.
Hb D-Los Angeles. Also called: HEMOGLOBIN D (CHICAGO); HEMOGLOBIN D (PORTUGAL); HEMOGLOBIN D (NORTH CAROLINA); HEMOGLOBIN OAK RIDGE; HEMOGLOBIN D (PUNJAB).

Allele frequency attached by ClinVar (database versions not stated): TOPMed 0.00017; 1000 Genomes Project 0.00060; 1000 Genomes Project 30x 0.00047.
gnomAD v4.1: 717 of 1,614,096 alleles (0.044%); highest among the groups gnomAD compares: South Asian, 0.5%; 8 homozygotes.

Submissions 1 to 7 of 24:

Natera, Inc.
Classification: Likely pathogenic for Beta thalassemia. Last evaluated: 2026-03-06. Review status: criteria provided, single submitter. Criteria: Natera Variant Classification Schema (03/2026). Collection method: clinical testing. Allele origin: germline.
Comment: The c.364G>C variant in HBB is a missense variant predicted to cause substitution of glutamic acid to glutamine at amino acid 122. This variant impairs but does not entirely destroy the function of the gene product, and thus may not cause disease when observed in homozygous dosage. This variant (aka D‐Los Angeles/D‐Punjab/D‐North Carolina/D‐Portugal/Oakridge/D‐Chicago) is usually clinically asymptomatic when homozygous. This variant has been reported in combination with the HbS variant in individuals with a mild to severe sickle cell phenotype (PMID:10490135, 25818823). Given the available evidence, this variant is classified as Likely Pathogenic.

Dasa
Classification: Pathogenic. Last evaluated: 2026-02-24. Review status: criteria provided, single submitter. Criteria: DASA Assertion Criteria. Collection method: clinical testing. Allele origin: germline.
Comment: NM_000518.5(HBB):c.364G>C (p.Glu122Gln) is a missense variant that results in the substitution of glutamic acid with glutamine. Functional evidence supports a deleterious effect on the gene or gene product (PMID: 25818823; PMID: 2895770; PMID: 20301551). This variant has been recurrently observed in individuals with related phenotype (PMID: 25818823; PMID: 2895770; PMID: 20301551). The variant is present at low frequency in population datasets. Based on the available data, this variant is classified as pathogenic.

Labcorp Genetics (formerly Invitae), Labcorp
Classification: Pathogenic. Last evaluated: 2026-02-02. Review status: criteria provided, single submitter. Criteria: Invitae Variant Classification Sherloc (09022015). Collection method: clinical testing. Allele origin: germline.
Comment: This sequence change replaces glutamic acid, which is acidic and polar, with glutamine, which is neutral and polar, at codon 122 of the HBB protein (p.Glu122Gln). This variant is present in population databases (rs33946267, gnomAD 0.5%), and has an allele count higher than expected for a pathogenic variant. This missense change has been observed in individuals with an HbSD phenotype, which occurs when this variant is co-inherited with HBB p.Glu7Val (also known as p.Glu6Val and HbS). HbSD is a moderate to severe phenotype similar to that seen in sickle cell anemia. When observed in the heterozygous or homozygous state, this variant is generally asymptomatic. (PMID: 24245819, 24616059, 25666204). This variant is also known as p.Glu121Gln, HbD-Los Angeles, HbD-Punjab, HbD-North-Carolina, HbD-Portugal, and HbD-Chicago. ClinVar contains an entry for this variant (Variation ID: 15152). Invitae Evidence Modeling of protein sequence and biophysical properties (such as structural, functional, and spatial information, amino acid conservation, physicochemical variation, residue mobility, and thermodynamic stability) has been performed for this missense variant. However, the output from this modeling did not meet the statistical confidence thresholds required to predict the impact of this variant on HBB protein function. Experimental studies have shown that this missense change affects HBB function (PMID: 2895770). For these reasons, this variant has been classified as Pathogenic.

ARUP Laboratories, Molecular Genetics and Genomics, ARUP Laboratories
Classification: Pathogenic. Last evaluated: 2025-07-30. Review status: criteria provided, single submitter. Criteria: ARUP Molecular Germline Variant Investigation Process 2024. Collection method: clinical testing. Allele origin: germline.
Comment: The Hb D-Los Angeles variant (HBB: c.364G>C; p.Glu122Gln, also known as Glu121Gln when numbered from the mature protein, HbVar ID: 509) is not associated with clinical symptoms in heterozygous carriers (HbVar database). Individuals homozygous for Hb D-Los Angeles are also commonly clinically asymptomatic (HbVar database, Torres 2015). Individuals with Hb D-Los Angeles who carry an additional pathogenic variant in their other copy of the beta globin gene may have clinically significant symptoms. Hb D-Los Angeles paired with HbS has a wide phenotypic spectrum ranging from mild to severe sickle cell disease (Perea 1999, Torres 2015 and 2016). Functional studies found an increased rate of nucleation and polymerization in Hb S- D Los Angeles samples as compared with Hb S (Adachi 1988). The clinical presentation in individuals with Hb D-Los Angeles and a beta-thalassemia variant is variable and influenced by the severity of the thalassemia variant, but is commonly characterized by mild to moderate hemolytic anemia (Perea 1999, Theodoridou 2009, Torres 2015 and 2016). This variant is reported in ClinVar (Variation ID: 15152) and is found in the South Asian population with an allele frequency of 0.5% (153/30616 alleles, including 4 homozygotes) in the Genome Aggregation Database. Based on available information, this variant is considered to be pathogenic. REFERENCES Link to HbVar database: Adachi K et al. Facilitation of Hb S polymerization by the substitution of Glu for Gln at beta 121. J Biol Chem. 1988 Apr 25;263(12):5607-10. PMID: 2895770. Perea F et al. Hb D-Los Angeles associated with Hb S or beta-thalassemia in four Mexican Mestizo families. Hemoglobin. 1999; 23(3):231-7. PMID: 10490135. Theodoridou S et al. Compound heterozygosity for Hb D-Punjab / beta-thalassemia and blood donation: case report. Turk J Haematol. 2009 Jun 5;26(2):100-1. PMID: 27265282. Torres LS et al. Hemoglobin D-Punjab: origin, distribution and laboratory diagnosis. Rev Bras Hematol Hemoter. 2015 Mar-Apr;37(2):120-6. PMID: 25818823. Torres LS et al. Phenotypic Diversity of Sickle Cell Disease in Patients with a Double Heterozygosity for Hb S and Hb D-Punjab. Hemoglobin. 2016 Sep;40(5):356-358. PMID: 27535451.

First Genomix Gene Laboratory, Genetic Diagnostics Department
Classification: Pathogenic for Beta-thalassemia HBB/LCRB. Last evaluated: 2025-03-21. Review status: criteria provided, single submitter. Criteria: ACMG Guidelines, 2015. Collection method: clinical testing. Allele origin: germline. Inheritance: Autosomal recessive inheritance. Affected: no. Observed: 1 variant allele.

Fulgent Genetics
Classification: Likely pathogenic for Heinz body anemia; Hereditary persistence of fetal hemoglobin; Dominant beta-thalassemia; Hb SS disease; Malaria, susceptibility to; Beta-thalassemia HBB/LCRB; METHEMOGLOBINEMIA, BETA TYPE; Erythrocytosis, familial, 6. Last evaluated: 2024-04-27. Review status: criteria provided, single submitter. Criteria: ACMG Guidelines, 2015. Collection method: clinical testing. Allele origin: germline.

Blueprint Genetics
Classification: Pathogenic for HBB-related disorders. Last evaluated: 2024-01-17. Review status: criteria provided, single submitter. Criteria: ACMG Guidelines, 2015. Collection method: clinical testing. Allele origin: germline. Affected: yes. Observed: 5 variant alleles.